The following is an entry in ClinVar:

ClinVar aggregate classification (germline): Uncertain significance (1 of 4 stars; one submission).

Conditions:
Gastrointestinal stromal tumor. Also called: Gastrointestinal stroma tumor; Gastrointestinal stromal tumor, somatic. Identifiers: Orphanet 44890, MedGen C0238198, MeSH D046152, MONDO:0011719, OMIM 606764, HP:0100723.

Submission:

Labcorp Genetics (formerly Invitae), Labcorp
Classification: Uncertain significance for Gastrointestinal stromal tumor. Last evaluated: 2025-09-12. Review status: criteria provided, single submitter. Criteria: Invitae Variant Classification Sherloc (09022015). Collection method: clinical testing. Allele origin: germline.
Comment: This sequence change replaces aspartic acid, which is acidic and polar, with tyrosine, which is neutral and polar, at codon 723 of the KIT protein (p.Asp723Tyr). This variant is not present in population databases (gnomAD no frequency). This variant has not been reported in the literature in individuals affected with KIT-related conditions. ClinVar contains an entry for this variant (Variation ID: 1492109). An algorithm developed to predict the effect of missense changes on protein structure and function (PolyPhen-2) suggests that this variant is likely to be disruptive. In summary, the available evidence is currently insufficient to determine the role of this variant in disease. Therefore, it has been classified as a Variant of Uncertain Significance.

NM_000222.3(KIT):c.2167G>T (p.Asp723Tyr)

Gene: KIT (KIT proto-oncogene, receptor tyrosine kinase; plus strand). Cytogenetic location: 4q12.
Variant type: single nucleotide variant.
Coding change: c.2167G>T on transcript NM_000222.3 (MANE Select); coding-DNA position 2167, G replaced by T.
Protein change: p.Asp723Tyr; replaces aspartic acid 723 with tyrosine.
Molecular consequence: missense variant.
Genome position (GRCh38, 1-based): chr4:54,731,353, G>T. VCF-style: chr4-54731353-G-T. GRCh37 (hg19) VCF-style: chr4-55597519-G-T.
Other names: c.2155G>T, p.Asp719Tyr (NM_001385292.1, NM_001093772.2); c.2170G>T, p.Asp724Tyr (NM_001385284.1); c.2164G>T, p.Asp722Tyr (NM_001385285.1); c.2152G>T, p.Asp718Tyr (NM_001385286.1); c.2158G>T, p.Asp720Tyr (NM_001385288.1); c.2167G>T, p.Asp723Tyr (NM_001385290.1); short protein forms D719Y, D724Y, D720Y, D722Y, D723Y, D718Y.
Identifiers: ClinVar variation 1492109 (VCV001492109.6), dbSNP rs2109792314, ClinGen allele CA356910186.